The following is an entry in ClinVar:

ClinVar aggregate classification (germline): Uncertain significance (1 of 4 stars; one submission).

Allele frequency attached by ClinVar (database versions not stated): gnomAD 0.00001; gnomAD exomes 0.00001; TOPMed 0.00001.
gnomAD v4.1: 10 of 1,588,430 alleles (0.00063%); highest among the groups gnomAD compares: Admixed American, 0.0018%; no homozygotes.

Submission:

Labcorp Genetics (formerly Invitae), Labcorp
Classification: Uncertain significance. Last evaluated: 2022-02-09. Review status: criteria provided, single submitter. Criteria: Invitae Variant Classification Sherloc (09022015). Collection method: clinical testing. Allele origin: germline.
Comment: This variant is present in population databases (no rsID available, gnomAD 0.002%). This sequence change affects codon 702 of the PLK4 mRNA. It is a 'silent' change, meaning that it does not change the encoded amino acid sequence of the PLK4 protein. This variant has not been reported in the literature in individuals affected with PLK4-related conditions. In summary, the available evidence is currently insufficient to determine the role of this variant in disease. Therefore, it has been classified as a Variant of Uncertain Significance. Algorithms developed to predict the effect of sequence changes on RNA splicing suggest that this variant may create or strengthen a splice site.

NM_014264.5(PLK4):c.2106A>G (p.Lys702=)

Gene: PLK4 (polo like kinase 4; plus strand). Cytogenetic location: 4q28.1.
Variant type: single nucleotide variant.
Coding change: c.2106A>G on transcript NM_014264.5 (MANE Select); coding-DNA position 2106, A replaced by G.
Protein change: p.Lys702=; no amino-acid change (lysine 702 retained).
Molecular consequence: synonymous variant.
Genome position (GRCh38, 1-based): chr4:127,892,432, A>G. VCF-style: chr4-127892432-A-G. GRCh37 (hg19) VCF-style: chr4-128813587-A-G.
Other names: c.2010A>G, p.Lys670= (NM_001190799.2); c.1983A>G, p.Lys661= (NM_001190801.2).
Identifiers: ClinVar variation 1364893 (VCV001364893.8), dbSNP rs1230856367, ClinGen allele CA441207150.